The following is an entry in ClinVar:

ClinVar aggregate classification (germline): Uncertain significance (1 of 4 stars; one submission).

gnomAD v4.1: 47 of 1,553,968 alleles (0.003%); highest among the groups gnomAD compares: South Asian, 0.021%; no homozygotes.

Submission:

Labcorp Genetics (formerly Invitae), Labcorp
Classification: Uncertain significance. Last evaluated: 2025-12-20. Review status: criteria provided, single submitter. Criteria: Invitae Variant Classification Sherloc (09022015). Collection method: clinical testing. Allele origin: germline.
Comment: This sequence change replaces glycine, which is neutral and non-polar, with arginine, which is basic and polar, at codon 489 of the SLC26A1 protein (p.Gly489Arg). This variant is present in population databases (rs779730277, gnomAD 0.03%). This variant has not been reported in the literature in individuals affected with SLC26A1-related conditions. Invitae Evidence Modeling of protein sequence and biophysical properties (such as structural, functional, and spatial information, amino acid conservation, physicochemical variation, residue mobility, and thermodynamic stability) indicates that this missense variant is expected to disrupt SLC26A1 protein function with a positive predictive value of 80%. In summary, the available evidence is currently insufficient to determine the role of this variant in disease. Therefore, it has been classified as a Variant of Uncertain Significance.

NM_022042.4(SLC26A1):c.1465G>A (p.Gly489Arg)

Genes: SLC26A1 (solute carrier family 26 member 1; minus strand), IDUA (alpha-L-iduronidase; plus strand). Cytogenetic location: 4p16.3.
Variant type: single nucleotide variant.
Coding change: c.1465G>A on transcript NM_022042.4 (MANE Select); coding-DNA position 1465, G replaced by A.
Protein change: p.Gly489Arg; replaces glycine 489 with arginine.
Molecular consequence: missense variant. On other transcripts: intron variant (2).
Genome position (GRCh38, 1-based): chr4:989,474, C>T on the plus strand (G>A on the coding strand, the complement: SLC26A1 is on the minus strand). VCF-style: chr4-989474-C-T. GRCh37 (hg19) VCF-style: chr4-983262-C-T.
Other names: c.1465G>A, p.Gly489Arg (NM_213613.4); c.576+1654G>A (NM_134425.4); c.299+1525C>T (NM_000203.5); short protein forms G489R.
Identifiers: ClinVar variation 4765422 (VCV004765422.1).